The following is an entry in ClinVar:

NM_001204.7(BMPR2):c.77-1_77delinsAA

Gene: BMPR2 (bone morphogenetic protein receptor type 2; plus strand). Cytogenetic location: 2q33.1.
Variant type: Indel.
Coding change: c.77-1_77delinsAA on transcript NM_001204.7 (MANE Select); the canonical splice acceptor site of the intron before coding-DNA position 77 through coding-DNA position 77, GC replaced by AA.
Molecular consequence: splice acceptor variant.
Genome position (GRCh38, 1-based): chr2:202,464,808-202,464,809, GC replaced by AA. VCF-style: chr2-202464808-GC-AA. GRCh37 (hg19) VCF-style: chr2-203329531-GC-AA.
Identifiers: ClinVar variation 1493644 (VCV001493644.6), dbSNP rs2105959576, ClinGen allele CA2573134349.
Genomic context (GRCh38, chr2:202,464,808, plus strand): 5'-TTTTATATAATATTTTGAAAACATTAAATAATTTGTCATTCCTTTATTTCCTTTATTTTA[GC>AA]TTCGCAGAATCAAGAACGGCTATGTGCGTTTAAAGATCCGTATCAGCAAGACCTTGGGAT-3'

ClinVar aggregate classification (germline): Likely pathogenic (1 of 4 stars; one submission).

Conditions:
Primary pulmonary hypertension. Also called: Idiopathic pulmonary hypertension. Identifiers: MedGen C0152171.

Submission:

Labcorp Genetics (formerly Invitae), Labcorp
Classification: Likely pathogenic for Primary pulmonary hypertension. Last evaluated: 2021-10-04. Review status: criteria provided, single submitter. Criteria: Invitae Variant Classification Sherloc (09022015). Collection method: clinical testing. Allele origin: germline.
Comment: In summary, the currently available evidence indicates that the variant is pathogenic, but additional data are needed to prove that conclusively. Therefore, this variant has been classified as Likely Pathogenic. Algorithms developed to predict the effect of sequence changes on RNA splicing suggest that this variant may disrupt the consensus splice site. Disruption of this splice site has been observed in individual(s) with pulmonary arterial hypertension (Invitae). The frequency data for this variant in the population databases is not available, as this variant may be reported as separate entries in the ExAC database. This sequence change affects an acceptor splice site in intron 1 of the BMPR2 gene. It is expected to disrupt RNA splicing. Variants that disrupt the donor or acceptor splice site typically lead to a loss of protein function (PMID: 16199547), and loss-of-function variants in BMPR2 are known to be pathogenic (PMID: 16429395).

Literature cited by the submitters: PubMed 16199547; PubMed 16429395.